The following is an entry in ClinVar:

ClinVar aggregate classification (germline): Uncertain significance (1 of 4 stars; one submission).

Allele frequency attached by ClinVar (database versions not stated): TOPMed below 0.00001.

Submission:

Labcorp Genetics (formerly Invitae), Labcorp
Classification: Uncertain significance. Last evaluated: 2021-07-22. Review status: criteria provided, single submitter. Criteria: Invitae Variant Classification Sherloc (09022015). Collection method: clinical testing. Allele origin: germline.
Comment: In summary, the available evidence is currently insufficient to determine the role of this variant in disease. Therefore, it has been classified as a Variant of Uncertain Significance. This sequence change replaces threonine with alanine at codon 1597 of the PCLO protein (p.Thr1597Ala). The threonine residue is weakly conserved and there is a small physicochemical difference between threonine and alanine. This variant is not present in population databases (ExAC no frequency). This variant has not been reported in the literature in individuals with PCLO-related conditions. Algorithms developed to predict the effect of missense changes on protein structure and function output the following: SIFT: "Tolerated"; PolyPhen-2: "Not Available"; Align-GVGD: "Class C0". The alanine amino acid residue is found in multiple mammalian species, suggesting that this missense change does not adversely affect protein function. These predictions have not been confirmed by published functional studies and their clinical significance is uncertain.

NM_033026.6(PCLO):c.4789A>G (p.Thr1597Ala)

Gene: PCLO (piccolo presynaptic cytomatrix protein; minus strand). Cytogenetic location: 7q21.11.
Variant type: single nucleotide variant.
Coding change: c.4789A>G on transcript NM_033026.6 (MANE Select); coding-DNA position 4789, A replaced by G.
Protein change: p.Thr1597Ala; replaces threonine 1597 with alanine.
Molecular consequence: missense variant.
Genome position (GRCh38, 1-based): chr7:82,956,164, T>C on the plus strand (A>G on the coding strand, the complement: PCLO is on the minus strand). VCF-style: chr7-82956164-T-C. GRCh37 (hg19) VCF-style: chr7-82585480-T-C.
Other names: c.4789A>G, p.Thr1597Ala (NM_014510.3); short protein forms T1597A.
Identifiers: ClinVar variation 1513377 (VCV001513377.8), dbSNP rs1795513123, ClinGen allele CA367925965.
Genomic context (GRCh38, chr7:82,956,164, plus strand): 5'-TGCTACTTTTTCGAGTCAGTCGTCTGTGTTTCCCTGCTGTTATTTTGCCTTTTCCCTTTG[T>C]TTCTTCCTTCTTCTGGCTCTCAGTACTGCTACTAATCTCTTTGAGCTGGTTTCTGATGAA-3'
Protein context (NP_149015.2, residues 1587-1607): SSTESQKKEE[Thr1597Ala]KGKGKITAGK